The following is an entry in ClinVar:

ClinVar aggregate classification (germline): Uncertain significance (1 of 4 stars; one submission).

Conditions:
Transcobalamin I deficiency (TCN1D). Also called: TCN1 DEFICIENCY; COBALAMIN PSEUDODEFICIENCY DUE TO TRANSCOBALAMIN DEFICIENCY; COBALAMIN R BINDER PROTEIN DEFICIENCY. Identifiers: Orphanet 2967, MedGen C0342700, MONDO:0008659, OMIM 193090.

Allele frequency attached by ClinVar (database versions not stated): gnomAD exomes 0.00001.
gnomAD v4.1: 3 of 1,613,994 alleles (0.00019%); highest among the groups gnomAD compares: Admixed American, 0.0033%; no homozygotes.

Submission:

Labcorp Genetics (formerly Invitae), Labcorp
Classification: Uncertain significance for Transcobalamin I deficiency. Last evaluated: 2022-10-17. Review status: criteria provided, single submitter. Criteria: Invitae Variant Classification Sherloc (09022015). Collection method: clinical testing. Allele origin: germline.
Comment: This variant is present in population databases (no rsID available, gnomAD 0.003%). This sequence change replaces asparagine, which is neutral and polar, with tyrosine, which is neutral and polar, at codon 56 of the TCN1 protein (p.Asn56Tyr). This variant has not been reported in the literature in individuals affected with TCN1-related conditions. Algorithms developed to predict the effect of missense changes on protein structure and function output the following: SIFT: "Deleterious"; PolyPhen-2: "Benign"; Align-GVGD: "Class C0". The tyrosine amino acid residue is found in multiple mammalian species, which suggests that this missense change does not adversely affect protein function. In summary, the available evidence is currently insufficient to determine the role of this variant in disease. Therefore, it has been classified as a Variant of Uncertain Significance.

NM_001062.4(TCN1):c.166A>T (p.Asn56Tyr)

Gene: TCN1 (transcobalamin 1; minus strand). Cytogenetic location: 11q12.1.
Variant type: single nucleotide variant.
Coding change: c.166A>T on transcript NM_001062.4 (MANE Select); coding-DNA position 166, A replaced by T.
Protein change: p.Asn56Tyr; replaces asparagine 56 with tyrosine.
Molecular consequence: missense variant.
Genome position (GRCh38, 1-based): chr11:59,864,000, T>A on the plus strand (A>T on the coding strand, the complement: TCN1 is on the minus strand). VCF-style: chr11-59864000-T-A. GRCh37 (hg19) VCF-style: chr11-59631473-T-A.
Other names: short protein forms N56Y.
Identifiers: ClinVar variation 2182723 (VCV002182723.4), dbSNP rs1333084564, ClinGen allele CA380809297.